The following is an entry in ClinVar:

NM_005430.4(WNT1):c.572G>C (p.Gly191Ala)

Gene: WNT1 (Wnt family member 1; plus strand). Cytogenetic location: 12q13.12.
Variant type: single nucleotide variant.
Coding change: c.572G>C on transcript NM_005430.4 (MANE Select); coding-DNA position 572, G replaced by C.
Protein change: p.Gly191Ala; replaces glycine 191 with alanine.
Molecular consequence: missense variant.
Genome position (GRCh38, 1-based): chr12:48,980,637, G>C. VCF-style: chr12-48980637-G-C. GRCh37 (hg19) VCF-style: chr12-49374420-G-C.
Other names: short protein forms G191A.
Identifiers: ClinVar variation 1940910 (VCV001940910.5), dbSNP rs768573697, ClinGen allele CA6544421.

ClinVar aggregate classification (germline): Uncertain significance (1 of 4 stars; one submission).

Allele frequency attached by ClinVar (database versions not stated): ExAC 0.00001; gnomAD 0.00002; TOPMed 0.00002.
gnomAD v4.1: 9 of 1,593,306 alleles (0.00056%); highest among the groups gnomAD compares: Non-Finnish European, 0.00077%; no homozygotes.

Submission:

Labcorp Genetics (formerly Invitae), Labcorp
Classification: Uncertain significance. Last evaluated: 2023-10-22. Review status: criteria provided, single submitter. Criteria: Invitae Variant Classification Sherloc (09022015). Collection method: clinical testing. Allele origin: germline.
Comment: This sequence change replaces glycine, which is neutral and non-polar, with alanine, which is neutral and non-polar, at codon 191 of the WNT1 protein (p.Gly191Ala). This variant is present in population databases (rs768573697, gnomAD 0.002%). This variant has not been reported in the literature in individuals affected with WNT1-related conditions. ClinVar contains an entry for this variant (Variation ID: 1940910). Advanced modeling of protein sequence and biophysical properties (such as structural, functional, and spatial information, amino acid conservation, physicochemical variation, residue mobility, and thermodynamic stability) performed at Invitae indicates that this missense variant is not expected to disrupt WNT1 protein function. In summary, the available evidence is currently insufficient to determine the role of this variant in disease. Therefore, it has been classified as a Variant of Uncertain Significance.